The following is an entry in ClinVar:

ClinVar aggregate classification (germline): Uncertain significance. Review status: criteria provided, multiple submitters, no conflicts (2 of 4 stars). 2 submissions from 2 submitters: Uncertain significance (2). Last evaluated 2025-08-12.

gnomAD v4.1: 3 of 1,612,222 alleles (0.00019%); highest among the groups gnomAD compares: Admixed American, 0.0017%; no homozygotes.

Submissions (2):

Labcorp Genetics (formerly Invitae), Labcorp
Classification: Uncertain significance. Last evaluated: 2025-08-12. Review status: criteria provided, single submitter. Criteria: Invitae Variant Classification Sherloc (09022015). Collection method: clinical testing. Allele origin: germline.
Comment: This sequence change replaces serine, which is neutral and polar, with cysteine, which is neutral and slightly polar, at codon 79 of the NARS1 protein (p.Ser79Cys). This variant is not present in population databases (gnomAD no frequency). This variant has not been reported in the literature in individuals affected with NARS1-related conditions. ClinVar contains an entry for this variant (Variation ID: 3385260). An algorithm developed to predict the effect of missense changes on protein structure and function (PolyPhen-2) suggests that this variant is likely to be tolerated. In summary, the available evidence is currently insufficient to determine the role of this variant in disease. Therefore, it has been classified as a Variant of Uncertain Significance.

Women's Health and Genetics/Laboratory Corporation of America, LabCorp
Classification: Uncertain significance. Last evaluated: 2024-10-16. Review status: criteria provided, single submitter. Criteria: LabCorp Variant Classification Summary - May 2015. Collection method: clinical testing. Allele origin: germline.
Comment: Variant summary: NARS1 c.236C>G (p.Ser79Cys) results in a non-conservative amino acid change located in the Asparagine--tRNA ligase, N-terminal domain (IPR048952) of the encoded protein sequence. Three of five in-silico tools predict a damaging effect of the variant on protein function. The variant allele was found at a frequency of 1.9e-06 in 1612222 control chromosomes. The available data on variant occurrences in the general population are insufficient to allow any conclusion about variant significance. To our knowledge, no occurrence of c.236C>G in individuals affected with Neurodevelopmental Disorder With Microcephaly, Impaired Language, And Gait Abnormalities and no experimental evidence demonstrating its impact on protein function have been reported. No submitters have cited clinical-significance assessments for this variant to ClinVar. Based on the evidence outlined above, the variant was classified as uncertain significance.

NM_004539.4(NARS1):c.236C>G (p.Ser79Cys)

Gene: NARS1 (asparaginyl-tRNA synthetase 1; minus strand). Cytogenetic location: 18q21.31.
Variant type: single nucleotide variant.
Coding change: c.236C>G on transcript NM_004539.4 (MANE Select); coding-DNA position 236, C replaced by G.
Protein change: p.Ser79Cys; replaces serine 79 with cysteine.
Molecular consequence: missense variant.
Genome position (GRCh38, 1-based): chr18:57,615,833, G>C on the plus strand (C>G on the coding strand, the complement: NARS1 is on the minus strand). VCF-style: chr18-57615833-G-C. GRCh37 (hg19) VCF-style: chr18-55283065-G-C.
Other names: short protein forms S79C.
Identifiers: ClinVar variation 3385260 (VCV003385260.2).
Genomic context (GRCh38, chr18:57,615,833, plus strand): 5'-GTTCTAACTTTAACAACGTTCACGATGGCAAGGTCAGGACTCACCTCTTTCTTTTCCCGG[G>C]ATTCACTCTTCATTTGTTCCCTATGCCACATCTTTTTAATGTTCTTCAACTGTGATTTAG-3'
Protein context (NP_004530.1, residues 69-89): MWHREQMKSE[Ser79Cys]REKKEAEDSL